The following is an entry in ClinVar:

ClinVar aggregate classification (germline): Uncertain significance (1 of 4 stars; one submission).

Conditions:
Hereditary breast ovarian cancer syndrome. Also called: Hereditary breast and ovarian cancer syndrome (HBOC); Hereditary breast and ovarian cancer syndrome; Hereditary breast and/or ovarian cancer syndrome; Hereditary breast and ovarian cancer; Breast and ovarian cancer; BRCA1- and BRCA2-Associated Hereditary Breast and Ovarian Cancer. Identifiers: Orphanet 145, MedGen C0677776, MeSH D061325, MONDO:0003582. Disease mechanism: loss of function.

Submission:

Labcorp Genetics (formerly Invitae), Labcorp
Classification: Uncertain significance for Hereditary breast ovarian cancer syndrome. Last evaluated: 2023-04-28. Review status: criteria provided, single submitter. Criteria: Invitae Variant Classification Sherloc (09022015). Collection method: clinical testing. Allele origin: germline.
Comment: This sequence change replaces arginine, which is basic and polar, with glycine, which is neutral and non-polar, at codon 979 of the BRCA1 protein (p.Arg979Gly). This variant is not present in population databases (gnomAD no frequency). This variant has not been reported in the literature in individuals affected with BRCA1-related conditions. Advanced modeling of protein sequence and biophysical properties (such as structural, functional, and spatial information, amino acid conservation, physicochemical variation, residue mobility, and thermodynamic stability) performed at Invitae indicates that this missense variant is not expected to disrupt BRCA1 protein function. In summary, the available evidence is currently insufficient to determine the role of this variant in disease. Therefore, it has been classified as a Variant of Uncertain Significance.

NM_007294.4(BRCA1):c.2935C>G (p.Arg979Gly)

Gene: BRCA1 (BRCA1 DNA repair associated; minus strand). Cytogenetic location: 17q21.31.
Variant type: single nucleotide variant.
Coding change: c.2935C>G on transcript NM_007294.4 (MANE Select); coding-DNA position 2935, C replaced by G.
Protein change: p.Arg979Gly; replaces arginine 979 with glycine.
Molecular consequence: missense variant. On other transcripts: intron variant (137).
Genome position (GRCh38, 1-based): chr17:43,092,596, G>C on the plus strand (C>G on the coding strand, the complement: BRCA1 is on the minus strand). VCF-style: chr17-43092596-G-C. GRCh37 (hg19) VCF-style: chr17-41244613-G-C.
Other names: c.668-1564C>G (NM_001408431.1, NM_001408424.1, NM_001408421.1); c.785-1564C>G (NM_001408407.1, NM_001408402.1, NM_001408473.1 and 13 more transcripts); c.665-1564C>G (NM_001408443.1, NM_001408439.1, NM_001408425.1 and 12 more transcripts); c.671-1564C>G (NM_001408419.1, NM_001408422.1, NM_001408418.1 and 2 more transcripts); c.788-1564C>G (NM_001408403.1, NM_001407983.1, NM_001407975.1 and 17 more transcripts); c.791-1573C>G (NM_001408406.1); c.647-1564C>G (NM_001408456.1, NM_001408410.1, NM_001408458.1 and 11 more transcripts); c.644-1564C>G (NM_001408465.1, NM_001408463.1, NM_001408462.1 and 3 more transcripts); and 41 more; short protein forms R683G, R851G, R867G, R891G, R909G, R911G, R938G, R952G.
Identifiers: ClinVar variation 2859985 (VCV002859985.3), dbSNP rs80356970, ClinGen allele CA10596126.